The following is an entry in ClinVar:

ClinVar aggregate classification (germline): Uncertain significance (1 of 4 stars; one submission).

Conditions:
Inborn genetic diseases. Identifiers: MedGen C0950123, MeSH D030342.

Submission:

Ambry Genetics
Classification: Uncertain significance for Inborn genetic diseases. Last evaluated: 2024-06-08. Review status: criteria provided, single submitter. Criteria: Ambry Variant Classification Scheme 2023. Collection method: clinical testing. Allele origin: germline.
Comment: The p.G882E variant (also known as c.2645G>A), located in coding exon 13 of the ATR gene, results from a G to A substitution at nucleotide position 2645. The glycine at codon 882 is replaced by glutamic acid, an amino acid with similar properties. This amino acid position is conserved. In addition, this alteration is predicted to be deleterious by in silico analysis. Based on the available evidence, the clinical significance of this variant remains unclear.

NM_001184.4(ATR):c.2645G>A (p.Gly882Glu)

Gene: ATR (ATR serine/threonine kinase; minus strand). Cytogenetic location: 3q23.
Variant type: single nucleotide variant.
Coding change: c.2645G>A on transcript NM_001184.4 (MANE Select); coding-DNA position 2645, G replaced by A.
Protein change: p.Gly882Glu; replaces glycine 882 with glutamic acid.
Molecular consequence: missense variant.
Genome position (GRCh38, 1-based): chr3:142,553,387, C>T on the plus strand (G>A on the coding strand, the complement: ATR is on the minus strand). VCF-style: chr3-142553387-C-T. GRCh37 (hg19) VCF-style: chr3-142272229-C-T.
Other names: c.2453G>A, p.Gly818Glu (NM_001354579.2); short protein forms G818E, G882E.
Identifiers: ClinVar variation 3332106 (VCV003332106.1).